The following is an entry in ClinVar:

NM_003361.4(UMOD):c.544G>A (p.Glu182Lys)

Gene: UMOD (uromodulin; minus strand). Cytogenetic location: 16p12.3.
Variant type: single nucleotide variant.
Coding change: c.544G>A on transcript NM_003361.4 (MANE Select); coding-DNA position 544, G replaced by A.
Protein change: p.Glu182Lys; replaces glutamic acid 182 with lysine.
Molecular consequence: missense variant. On other transcripts: non-coding transcript variant (1).
Genome position (GRCh38, 1-based): chr16:20,348,757, C>T on the plus strand (G>A on the coding strand, the complement: UMOD is on the minus strand). VCF-style: chr16-20348757-C-T. GRCh37 (hg19) VCF-style: chr16-20360079-C-T.
Other names: c.544G>A, p.Glu182Lys (NM_001008389.3, NM_001378232.1, NM_001378233.1 and 3 more transcripts); c.643G>A, p.Glu215Lys (NM_001278614.2); short protein forms E182K, E215K.
Identifiers: ClinVar variation 1805518 (VCV001805518.1), dbSNP rs1965732818, ClinGen allele CA394985538.

ClinVar aggregate classification (germline): Uncertain significance (1 of 4 stars; one submission).

Conditions:
Autosomal dominant medullary cystic kidney disease with or without hyperuricemia. Identifiers: Orphanet 34149, MedGen C4511620, MONDO:0008264.

Submission:

Victorian Clinical Genetics Services, Murdoch Childrens Research Institute
Classification: Uncertain significance for Autosomal dominant medullary cystic kidney disease with or without hyperuricemia. Last evaluated: 2019-08-28. Review status: criteria provided, single submitter. Criteria: ACMG Guidelines, 2015. Collection method: clinical testing. Allele origin: germline. Inheritance: Autosomal dominant inheritance. Affected: yes.
Comment: A heterozygous missense variant, NM_003361.3(UMOD):c.544G>A, has been identified in exon 3 of 11 of the UMOD gene. The variant is predicted to result in a minor amino acid change from glutamic acid to lysine at position 182 of the protein (NP_003352.2(UMOD):p.(Glu182Lys)). The glutamic acid residue at this position has low conservation (100 vertebrates, UCSC), and is not located within a well established functional domain. In silico predictions of pathogenicity for this variant are conflicting (Polyphen, SIFT, CADD, Mutation Taster). The variant is absent from the gnomAD population database. This variant has not been previously reported in clinical cases. Based on the information available at the time of curation, this variant has been classified as VARIANT of UNCERTAIN SIGNIFICANCE (VUS) with LOW CLINICAL RELEVANCE.